The following is an entry in ClinVar:

ClinVar aggregate classification (germline): Pathogenic (1 of 4 stars; one submission).

Allele frequency attached by ClinVar (database versions not stated): gnomAD exomes below 0.00001; ExAC 0.00001; TOPMed 0.00001.

Submission:

Labcorp Genetics (formerly Invitae), Labcorp
Classification: Pathogenic. Last evaluated: 2022-11-29. Review status: criteria provided, single submitter. Criteria: Invitae Variant Classification Sherloc (09022015). Collection method: clinical testing. Allele origin: germline.
Comment: This sequence change creates a premature translational stop signal (p.Ile132Asnfs*15) in the NDUFV2 gene. It is expected to result in an absent or disrupted protein product. Loss-of-function variants in NDUFV2 are known to be pathogenic (PMID: 12754703, 26008862). This variant is present in population databases (rs756653973, gnomAD 0.003%). This variant has not been reported in the literature in individuals affected with NDUFV2-related conditions. For these reasons, this variant has been classified as Pathogenic.

Literature cited by the submitters: PubMed 12754703; PubMed 26008862.

NM_021074.5(NDUFV2):c.394dup (p.Ile132fs)

Genes: NDUFV2 (NADH:ubiquinone oxidoreductase core subunit V2; plus strand), NDUFV2-AS1 (NDUFV2 antisense RNA 1; minus strand). Cytogenetic location: 18p11.22.
Variant type: Duplication.
Coding change: c.394dup on transcript NM_021074.5 (MANE Select); coding-DNA position 394, one base duplicated (A; older notation c.394dupA).
Protein change: p.Ile132fs; shifts the reading frame from isoleucine 132.
Molecular consequence: frameshift variant.
Genome position (GRCh38, 1-based): chr18:9,122,606, A duplicated. VCF-style (leftmost placement, unchanged base first): chr18-9122605-C-CA. GRCh37 (hg19) VCF-style: chr18-9122603-C-CA.
Other names: short protein forms I132fs.
Identifiers: ClinVar variation 1901338 (VCV001901338.5), dbSNP rs756653973, ClinGen allele CA8887207.
Genomic context (GRCh38, chr18:9,122,605, plus strand): 5'-AGTATATGAAGTAGCAACTTTTTATACAATGTATAATCGAAAGCCAGTTGGAAAGTATCA[C>CA]ATTCAGGTCTGCACTACTACACCCTGCATGCTTCGAAACTCTGACAGCATACTGGAGGCC-3'